The following is an entry in ClinVar:

ClinVar aggregate classification (germline): Uncertain significance (1 of 4 stars; one submission).

Allele frequency attached by ClinVar (database versions not stated): gnomAD exomes below 0.00001 and 0.00001; ExAC 0.00001.
gnomAD v4.1: 1 of 1,614,232 alleles (0.000062%); highest among the groups gnomAD compares: South Asian, 0.0011%; no homozygotes.

Submission:

Labcorp Genetics (formerly Invitae), Labcorp
Classification: Uncertain significance. Last evaluated: 2022-03-12. Review status: criteria provided, single submitter. Criteria: Invitae Variant Classification Sherloc (09022015). Collection method: clinical testing. Allele origin: germline.
Comment: In summary, the available evidence is currently insufficient to determine the role of this variant in disease. Therefore, it has been classified as a Variant of Uncertain Significance. Algorithms developed to predict the effect of missense changes on protein structure and function are either unavailable or do not agree on the potential impact of this missense change (SIFT: "Not Available"; PolyPhen-2: "Benign"; Align-GVGD: "Not Available"). This variant has not been reported in the literature in individuals affected with UNC45A-related conditions. This variant is present in population databases (rs776603989, gnomAD 0.003%). This sequence change replaces glutamic acid, which is acidic and polar, with glutamine, which is neutral and polar, at codon 453 of the UNC45A protein (p.Glu453Gln).

NM_018671.5(UNC45A):c.1357G>C (p.Glu453Gln)

Gene: UNC45A (unc-45 myosin chaperone A; plus strand). Cytogenetic location: 15q26.1.
Variant type: single nucleotide variant.
Coding change: c.1357G>C on transcript NM_018671.5 (MANE Select); coding-DNA position 1357, G replaced by C.
Protein change: p.Glu453Gln; replaces glutamic acid 453 with glutamine.
Molecular consequence: missense variant.
Genome position (GRCh38, 1-based): chr15:90,946,771, G>C. VCF-style: chr15-90946771-G-C. GRCh37 (hg19) VCF-style: chr15-91490001-G-C.
Other names: c.1312G>C, p.Glu438Gln (NM_001039675.2, NM_001323621.2); c.1357G>C, p.Glu453Gln (NM_001323619.1); c.922G>C, p.Glu308Gln (NM_001323620.2); short protein forms E308Q, E438Q, E453Q.
Identifiers: ClinVar variation 1496468 (VCV001496468.6), dbSNP rs776603989, ClinGen allele CA7742881.
Genomic context (GRCh38, chr15:90,946,771, plus strand): 5'-TTGGAGCTGAGCGGTGTCATGGAGAGTGTGATTGCTCTGTGTGCCTCTGAGCAGGAGGAG[G>C]AGCAGCTGGTGGCCGTGGAGGCTCTGATCCATGCAGCCGGCAAGGCTAAGCGGGCCTCAT-3'
Protein context (NP_061141.2, residues 443-463): IALCASEQEE[Glu453Gln]QLVAVEALIH